The following is an entry in ClinVar:

ClinVar aggregate classification (germline): Uncertain significance (1 of 4 stars; one submission).

Submission:

GeneDx
Classification: Uncertain significance. Last evaluated: 2026-08-13. Review status: criteria provided, single submitter. Criteria: GeneDx Variant Classification Process June 2021. Collection method: clinical testing. Allele origin: germline.
Comment: Not observed at significant frequency in large population cohorts (gnomAD); In silico analysis supports that this missense variant has a deleterious effect on protein structure/function; Has not been previously published as pathogenic or benign to our knowledge

NM_013275.6(ANKRD11):c.7590T>G (p.Cys2530Trp)

Gene: ANKRD11 (ankyrin repeat domain 11; minus strand). Cytogenetic location: 16q24.3.
Variant type: single nucleotide variant.
Coding change: c.7590T>G on transcript NM_013275.6 (MANE Select); coding-DNA position 7590, T replaced by G.
Protein change: p.Cys2530Trp; replaces cysteine 2530 with tryptophan.
Molecular consequence: missense variant.
Genome position (GRCh38, 1-based): chr16:89,274,937, A>C on the plus strand (T>G on the coding strand, the complement: ANKRD11 is on the minus strand). VCF-style: chr16-89274937-A-C. GRCh37 (hg19) VCF-style: chr16-89341345-A-C.
Other names: c.7590T>G, p.Cys2530Trp (NM_001256182.2, NM_001256183.2); short protein forms C2530W.
Identifiers: ClinVar variation 3367947 (VCV003367947.2).